The following is an entry in ClinVar:

ClinVar aggregate classification (germline): Uncertain significance (1 of 4 stars; one submission).

Allele frequency attached by ClinVar (database versions not stated): gnomAD exomes below 0.00001; TOPMed 0.00001; ExAC 0.00002; gnomAD 0.00002; ESP Exome Variant Server 0.00008.
gnomAD v4.1: 4 of 1,612,770 alleles (0.00025%); highest among the groups gnomAD compares: African/African-American, 0.0053%; no homozygotes.

Submission:

Labcorp Genetics (formerly Invitae), Labcorp
Classification: Uncertain significance. Last evaluated: 2023-10-22. Review status: criteria provided, single submitter. Criteria: Invitae Variant Classification Sherloc (09022015). Collection method: clinical testing. Allele origin: germline.
Comment: This sequence change replaces threonine, which is neutral and polar, with isoleucine, which is neutral and non-polar, at codon 21 of the ITGAM protein (p.Thr21Ile). This variant is present in population databases (rs373885749, gnomAD 0.01%). This variant has not been reported in the literature in individuals affected with ITGAM-related conditions. ClinVar contains an entry for this variant (Variation ID: 2192967). An algorithm developed to predict the effect of missense changes on protein structure and function (PolyPhen-2) suggests that this variant is likely to be disruptive. In summary, the available evidence is currently insufficient to determine the role of this variant in disease. Therefore, it has been classified as a Variant of Uncertain Significance.

NM_000632.4(ITGAM):c.62C>T (p.Thr21Ile)

Gene: ITGAM (integrin subunit alpha M; plus strand). Cytogenetic location: 16p11.2.
Variant type: single nucleotide variant.
Coding change: c.62C>T on transcript NM_000632.4 (MANE Select); coding-DNA position 62, C replaced by T.
Protein change: p.Thr21Ile; replaces threonine 21 with isoleucine.
Molecular consequence: missense variant.
Genome position (GRCh38, 1-based): chr16:31,261,725, C>T. VCF-style: chr16-31261725-C-T. GRCh37 (hg19) VCF-style: chr16-31273046-C-T.
Other names: c.62C>T, p.Thr21Ile (NM_001145808.2); short protein forms T21I.
Identifiers: ClinVar variation 2192967 (VCV002192967.4), dbSNP rs373885749, ClinGen allele CA8025099.